The following is an entry in ClinVar:

ClinVar aggregate classification (germline): Likely pathogenic (1 of 4 stars; one submission).

Conditions:
Neurodevelopmental disorder. Identifiers: MedGen C1535926, MeSH D065886, MONDO:0700092.

Submission:

Victorian Clinical Genetics Services, Murdoch Childrens Research Institute
Classification: Likely pathogenic for Neurodevelopmental disorder. Last evaluated: 2022-02-02. Review status: criteria provided, single submitter. Criteria: ACMG Guidelines, 2015. Collection method: clinical testing. Allele origin: germline. Inheritance: Autosomal dominant inheritance. Affected: yes.
Comment: Based on the classification scheme VCGS_Germline_v1.3.4, this variant is classified as Likely pathogenic. Following criteria are met: 0105 - The mechanism of disease for this gene is not clearly established. Missense variants have been reported in individuals with Shprintzen-Goldberg syndrome (MIM#182212) (PMID: 23023332). Heterozygous variants resulting in a premature termination codon have been identified in individuals with milder intellectual disability (unpublished evidence obtained by personal communication). (I) 0107 - This gene is associated with autosomal dominant disease. (I) 0201 - Variant is predicted to cause nonsense-mediated decay (NMD) and loss of protein (premature termination codon is located at least 54 nucleotides upstream of the final exon-exon junction). (SP) 0251 - This variant is heterozygous. (I) 0301 - Variant is absent from gnomAD (both v2 and v3). (SP) 0710 - Other NMD-predicted variants comparable to the one identified in this case have inconclusive previous evidence for pathogenicity. These variants have been consistently reported as VUS and de novo in individuals with features including global developmental delay and nervous system abnormalities (ClinVar, DECIPHER). (I) 0807 - This variant has no previous evidence of pathogenicity. (I) 0905 - No published segregation evidence has been identified for this variant. (I) 1007 - No published functional evidence has been identified for this variant. (SP) Legend: (SP) - Supporting pathogenic, (I) - Information, (SB) - Supporting benign

Literature cited by the submitters: PubMed 23023332.

NM_003036.4(SKI):c.1026del (p.Gln342fs)

Gene: SKI (SKI proto-oncogene; plus strand). Cytogenetic location: 1p36.32.
Variant type: Deletion.
Coding change: c.1026del on transcript NM_003036.4 (MANE Select); coding-DNA position 1026, one base deleted (G; older notation c.1026delG).
Protein change: p.Gln342fs; shifts the reading frame from glutamine 342.
Molecular consequence: frameshift variant.
Genome position (GRCh38, 1-based): chr1:2,303,034, G deleted. VCF-style (leftmost placement, unchanged base first): chr1-2303033-AG-A. GRCh37 (hg19) VCF-style: chr1-2234472-AG-A.
Other names: short protein forms Q342fs.
Identifiers: ClinVar variation 1699134 (VCV001699134.3), dbSNP rs2100916221, ClinGen allele CA2573131736.
Genomic context (GRCh38, chr1:2,303,033, plus strand): 5'-CGCAGGTCTCCTCTGAGCCTCCGGCCTCCATAAGACCCAAAACAGATGACACCTCTTCCC[AG>A]TCCCCCGCGCCTTCCGAAAAGGACAAGCCGTCCAGCTGGCTGCGGACCTTGGCCGGCTCT-3'